The following is an entry in ClinVar:

NM_138295.5(PKD1L1):c.8133G>T (p.Arg2711=)

Genes: PKD1L1 (polycystin 1 like 1, transient receptor potential channel interacting; minus strand), PKD1L1-AS1 (PKD1L1 antisense RNA 1; plus strand). Cytogenetic location: 7p12.3.
Variant type: single nucleotide variant.
Coding change: c.8133G>T on transcript NM_138295.5 (MANE Select); coding-DNA position 8133, G replaced by T.
Protein change: p.Arg2711=; no amino-acid change (arginine 2711 retained).
Molecular consequence: synonymous variant.
Genome position (GRCh38, 1-based): chr7:47,800,709, C>A on the plus strand (G>T on the coding strand, the complement: PKD1L1 is on the minus strand). VCF-style: chr7-47800709-C-A. GRCh37 (hg19) VCF-style: chr7-47840307-C-A.
Identifiers: ClinVar variation 3047406 (VCV003047406.2), dbSNP rs200334191, ClinGen allele CA4251815.
Genomic context (GRCh38, chr7:47,800,709, plus strand): 5'-CATTCCAAAACACAGTGTGGCAGAGACTATTAAAAGGATCCCAAAGTAACAAGCCATGGC[C>A]CGCTGGTCAGACTTGGAAAGGCCAAGGAGGCAGTCTTTTTGGCTTCTTCTGGGAAAATGA-3'
Protein context (NP_612152.1, residues 2701-2721): CLLGLSKSDQ[Arg2711=]AMACYFGILL

ClinVar aggregate classification (germline): Likely benign (0 of 4 stars; one submission).

Conditions:
PKD1L1-related disorder. Also called: PKD1L1-related condition.

Allele frequency attached by ClinVar (database versions not stated): gnomAD 0.00003; TOPMed 0.00003; ExAC 0.00004; gnomAD exomes 0.00006.
gnomAD v4.1: 91 of 1,614,088 alleles (0.0056%); highest among the groups gnomAD compares: Middle Eastern, 0.066%; no homozygotes.

Submission:

PreventionGenetics, part of Exact Sciences
Classification: Likely benign for PKD1L1-related condition. Last evaluated: 2022-02-04. Review status: no assertion criteria provided. Collection method: clinical testing. Allele origin: germline.
Comment: This variant is classified as likely benign based on ACMG/AMP sequence variant interpretation guidelines (Richards et al. 2015 PMID: 25741868, with internal and published modifications).